The following is an entry in ClinVar:

NM_000321.3(RB1):c.422G>A (p.Ser141Asn)

Gene: RB1 (RB transcriptional corepressor 1; plus strand). Cytogenetic location: 13q14.2.
Variant type: single nucleotide variant.
Coding change: c.422G>A on transcript NM_000321.3 (MANE Select); coding-DNA position 422, G replaced by A.
Protein change: p.Ser141Asn; replaces serine 141 with asparagine.
Molecular consequence: missense variant.
Genome position (GRCh38, 1-based): chr13:48,345,121, G>A. VCF-style: chr13-48345121-G-A. GRCh37 (hg19) VCF-style: chr13-48919257-G-A.
Other names: short protein forms S141N.
Identifiers: ClinVar variation 1493271 (VCV001493271.6), dbSNP rs2138087383, ClinGen allele CA388252686.
Genomic context (GRCh38, chr13:48,345,121, plus strand): 5'-TCTATTCTTTCCTTTGTAGTGTCCATAAATTCTTTAACTTACTAAAAGAAATTGATACCA[G>A]TACCAAAGTTGATAATGCTATGTCAAGACTGTTGAAGAAGTATGATGTATTGTTTGCACT-3'
Protein context (NP_000312.2, residues 131-151): FFNLLKEIDT[Ser141Asn]TKVDNAMSRL

ClinVar aggregate classification (germline): Uncertain significance (1 of 4 stars; one submission).

Conditions:
Retinoblastoma (RB1). Also called: RETINOBLASTOMA, SOMATIC. Identifiers: Orphanet 790, MedGen C0035335, MeSH D012175, MONDO:0008380, OMIM 180200, HP:0009919. Disease mechanism: loss of function. Inheritance: Both sporadic and heritable forms are tested..

Submission:

Labcorp Genetics (formerly Invitae), Labcorp
Classification: Uncertain significance for Retinoblastoma. Last evaluated: 2025-05-05. Review status: criteria provided, single submitter. Criteria: Invitae Variant Classification Sherloc (09022015). Collection method: clinical testing. Allele origin: germline.
Comment: This sequence change replaces serine, which is neutral and polar, with asparagine, which is neutral and polar, at codon 141 of the RB1 protein (p.Ser141Asn). This variant is not present in population databases (gnomAD no frequency). This variant has not been reported in the literature in individuals affected with RB1-related conditions. ClinVar contains an entry for this variant (Variation ID: 1493271). Invitae Evidence Modeling of protein sequence and biophysical properties (such as structural, functional, and spatial information, amino acid conservation, physicochemical variation, residue mobility, and thermodynamic stability) indicates that this missense variant is expected to disrupt RB1 protein function with a positive predictive value of 80%. In summary, the available evidence is currently insufficient to determine the role of this variant in disease. Therefore, it has been classified as a Variant of Uncertain Significance.